The following is an entry in ClinVar:

ClinVar aggregate classification (germline): Pathogenic (1 of 4 stars; one submission).

Submission:

Labcorp Genetics (formerly Invitae), Labcorp
Classification: Pathogenic. Last evaluated: 2023-06-09. Review status: criteria provided, single submitter. Criteria: Invitae Variant Classification Sherloc (09022015). Collection method: clinical testing. Allele origin: unknown.
Comment: This variant is a gross deletion of the genomic region encompassing exon(s) 18 of the ACAD9 gene, which includes the termination codon. This deletion extends beyond the assayed region for this gene and therefore may encompass additional genes. While this deletion is not anticipated to lead to nonsense mediated decay, it is expected to alter mRNA translation or result in a truncated protein product. For these reasons, this variant has been classified as Pathogenic. This variant disrupts a region of the ACAD9 protein in which other variant(s) (p.Pro616Ser) have been determined to be pathogenic (PMID: 25326637, 30831263). This suggests that this is a clinically significant region of the protein, and that variants that disrupt it are likely to be disease-causing. This variant has not been reported in the literature in individuals affected with ACAD9-related conditions.

Literature cited by the submitters: PubMed 25326637; PubMed 30831263.

NC_000003.11:g.(?_128631330)_(128631450_?)del

Gene: ACAD9 (acyl-CoA dehydrogenase family member 9; plus strand). Cytogenetic location: 3q21.3.
Variant type: Deletion.
Identifiers: ClinVar variation 3247010 (VCV003247010.1).